The following is an entry in ClinVar:

ClinVar aggregate classification (germline): Pathogenic (1 of 4 stars; one submission).

Conditions:
Ataxia-telangiectasia syndrome (AT). Also called: Cerebello-oculocutaneous telangiectasia; Immunodeficiency with ataxia telangiectasia; Ataxia telangiectasia (A-T); LOUIS-BAR SYNDROME; ATAXIA-TELANGIECTASIA, COMPLEMENTATION GROUP A; ATAXIA-TELANGIECTASIA, FRESNO VARIANT. Identifiers: Orphanet 100, MedGen C0004135, MONDO:0008840, OMIM 208900.

Submission:

Labcorp Genetics (formerly Invitae), Labcorp
Classification: Pathogenic for Ataxia-telangiectasia syndrome. Last evaluated: 2015-06-22. Review status: criteria provided, single submitter. Criteria: Invitae Variant Classification Sherloc (09022015). Collection method: clinical testing. Allele origin: germline.
Comment: While this particular sequence change has not been reported in the literature, truncating sequence changes in ATM are known to be pathogenic (PMID: 10817650, 19781682). For these reasons, this variant has been classified as Pathogenic. This sequence change deletes 8 nucleotides from exon 10 of the ATM mRNA (c.1284_1291delTAACTGTG), causing a frameshift at codon 429. This creates a premature translational stop signal (p.Asn429Alafs*55) and is expected to result in an absent or disrupted protein product.

Literature cited by the submitters: PubMed 10817650; PubMed 19781682.

NM_000051.4(ATM):c.1284_1291del (p.Asn429fs)

Gene: ATM (ATM serine/threonine kinase; plus strand). Cytogenetic location: 11q22.3.
Variant type: Deletion.
Coding change: c.1284_1291del on transcript NM_000051.4 (MANE Select); coding-DNA positions 1284 to 1291, 8 bases deleted (TAACTGTG; older notation c.1284_1291delTAACTGTG).
Protein change: p.Asn429fs; shifts the reading frame from asparagine 429.
Molecular consequence: frameshift variant.
Genome position (GRCh38, 1-based): chr11:108,250,749-108,250,756, TAACTGTG deleted. VCF-style (leftmost placement, unchanged base first): chr11-108250748-CTAACTGTG-C. GRCh37 (hg19) VCF-style: chr11-108121475-CTAACTGTG-C.
Other names: c.1284_1291delTAACTGTG (NM_000051.3); c.1284_1291del, p.Asn429fs (NM_001351834.2); short protein forms N429fs.
Identifiers: ClinVar variation 216019 (VCV000216019.8), dbSNP rs863224460, ClinGen allele CA338956.